The following is an entry in ClinVar:

ClinVar aggregate classification (germline): Uncertain significance (1 of 4 stars; one submission).

Conditions:
Hereditary cancer-predisposing syndrome. Also called: Tumor predisposition; Hereditary neoplastic syndrome; Neoplastic Syndromes, Hereditary; Hereditary Cancer Syndrome. Identifiers: Orphanet 140162, MedGen C0027672, MeSH D009386, MONDO:0015356.

Submission:

Ambry Genetics
Classification: Uncertain significance for Hereditary cancer-predisposing syndrome. Last evaluated: 2025-05-17. Review status: criteria provided, single submitter. Criteria: Ambry Variant Classification Scheme 2023. Collection method: clinical testing. Allele origin: germline.
Comment: The p.K1168I variant (also known as c.3503A>T), located in coding exon 19 of the BRIP1 gene, results from an A to T substitution at nucleotide position 3503. The lysine at codon 1168 is replaced by isoleucine, an amino acid with dissimilar properties. This amino acid position is conserved. In addition, this alteration is predicted to be tolerated by in silico analysis. Based on the available evidence, the clinical significance of this variant remains unclear.

NM_032043.3(BRIP1):c.3503A>T (p.Lys1168Ile)

Gene: BRIP1 (BRCA1 interacting DNA helicase 1; minus strand). Cytogenetic location: 17q23.2.
Variant type: single nucleotide variant.
Coding change: c.3503A>T on transcript NM_032043.3 (MANE Select); coding-DNA position 3503, A replaced by T.
Protein change: p.Lys1168Ile; replaces lysine 1168 with isoleucine.
Molecular consequence: missense variant.
Genome position (GRCh38, 1-based): chr17:61,683,543, T>A on the plus strand (A>T on the coding strand, the complement: BRIP1 is on the minus strand). VCF-style: chr17-61683543-T-A. GRCh37 (hg19) VCF-style: chr17-59760904-T-A.
Other names: short protein forms K1168I.
Identifiers: ClinVar variation 3993158 (VCV003993158.1).